The following is an entry in ClinVar:

NM_007118.4(TRIO):c.7368G>T (p.Pro2456=)

Gene: TRIO (trio Rho guanine nucleotide exchange factor; plus strand). Cytogenetic location: 5p15.2.
Variant type: single nucleotide variant.
Coding change: c.7368G>T on transcript NM_007118.4 (MANE Select); coding-DNA position 7368, G replaced by T.
Protein change: p.Pro2456=; no amino-acid change (proline 2456 retained).
Molecular consequence: synonymous variant.
Genome position (GRCh38, 1-based): chr5:14,487,996, G>T. VCF-style: chr5-14487996-G-T. GRCh37 (hg19) VCF-style: chr5-14488105-G-T.
Identifiers: ClinVar variation 1214885 (VCV001214885.25), dbSNP rs778141701, ClinGen allele CA3207388.

ClinVar aggregate classification (germline): Likely benign. Review status: criteria provided, multiple submitters, no conflicts (2 of 4 stars). 2 submissions from 2 submitters: Likely benign (2). Last evaluated 2024-01-01.

Allele frequency attached by ClinVar (database versions not stated): TOPMed 0.00010; ExAC 0.00032.
gnomAD v4.1: 213 of 1,567,364 alleles (0.014%); highest among the groups gnomAD compares: Admixed American, 0.022%; no homozygotes.

Submissions (2):

CeGaT Center for Human Genetics Tuebingen
Classification: Likely benign. Last evaluated: 2024-01-01. Review status: criteria provided, single submitter. Criteria: CeGaT Center For Human Genetics Tuebingen Variant Classification Criteria Version 2. Collection method: clinical testing. Allele origin: germline. Affected: yes. Observed: 1 variant allele.
Comment: TRIO: BP4, BP7

GeneDx
Classification: Likely benign. Last evaluated: 2021-05-26. Review status: criteria provided, single submitter. Criteria: GeneDx Variant Classification Process June 2021. Collection method: clinical testing. Allele origin: germline. Affected: yes.